The following is an entry in ClinVar:

NM_000094.4(COL7A1):c.5932C>G (p.Arg1978Gly)

Gene: COL7A1 (collagen type VII alpha 1 chain; minus strand). Cytogenetic location: 3p21.31.
Variant type: single nucleotide variant.
Coding change: c.5932C>G on transcript NM_000094.4 (MANE Select); coding-DNA position 5932, C replaced by G.
Protein change: p.Arg1978Gly; replaces arginine 1978 with glycine.
Molecular consequence: missense variant.
Genome position (GRCh38, 1-based): chr3:48,575,673, G>C on the plus strand (C>G on the coding strand, the complement: COL7A1 is on the minus strand). VCF-style: chr3-48575673-G-C. GRCh37 (hg19) VCF-style: chr3-48613106-G-C.
Other names: short protein forms R1978G.
Identifiers: ClinVar variation 3717655 (VCV003717655.2).

ClinVar aggregate classification (germline): Uncertain significance (1 of 4 stars; one submission).

gnomAD v4.1: 1 of 1,613,586 alleles (0.000062%); highest among the groups gnomAD compares: South Asian, 0.0011%; no homozygotes.

Submission:

Labcorp Genetics (formerly Invitae), Labcorp
Classification: Uncertain significance. Last evaluated: 2024-08-04. Review status: criteria provided, single submitter. Criteria: Invitae Variant Classification Sherloc (09022015). Collection method: clinical testing. Allele origin: germline.
Comment: This sequence change replaces arginine, which is basic and polar, with glycine, which is neutral and non-polar, at codon 1978 of the COL7A1 protein (p.Arg1978Gly). This variant is not present in population databases (gnomAD no frequency). This variant has not been reported in the literature in individuals affected with COL7A1-related conditions. Advanced modeling of protein sequence and biophysical properties (such as structural, functional, and spatial information, amino acid conservation, physicochemical variation, residue mobility, and thermodynamic stability) performed at Invitae indicates that this missense variant is not expected to disrupt COL7A1 protein function with a negative predictive value of 95%. In summary, the available evidence is currently insufficient to determine the role of this variant in disease. Therefore, it has been classified as a Variant of Uncertain Significance.